The following is an entry in ClinVar:

ClinVar aggregate classification (germline): Likely pathogenic (1 of 4 stars; one submission).

Conditions:
Developmental and epileptic encephalopathy, 57. Also called: EPILEPTIC ENCEPHALOPATHY, EARLY INFANTILE, 57. Identifiers: MedGen C4540411, MONDO:0033366, OMIM 617771.

Submission:

3billion
Classification: Likely pathogenic for Developmental and epileptic encephalopathy, 57. Last evaluated: 2025-12-18. Review status: criteria provided, single submitter. Criteria: ACMG Guidelines, 2015. Collection method: clinical testing. Allele origin: germline. Affected: yes.
Comment: The variant is not observed in the gnomAD v4.1.0 dataset. Predicted Consequence/Location: Stop-gained (nonsense): predicted to result in a loss or disruption of normal protein function through nonsense-mediated decay (NMD) or protein truncation. Multiple pathogenic variants are reported downstream of the variant. Therefore, this variant is classified as Likely pathogenic according to the recommendation of ACMG/AMP guideline.

NM_198503.5(KCNT2):c.2567dup (p.Tyr856Ter)

Gene: KCNT2 (potassium sodium-activated channel subfamily T member 2; minus strand). Cytogenetic location: 1q31.3.
Variant type: Duplication.
Coding change: c.2567dup on transcript NM_198503.5 (MANE Select); coding-DNA position 2567, one base duplicated (A; older notation c.2567dupA).
Protein change: p.Tyr856Ter; replaces tyrosine 856 with a stop codon.
Molecular consequence: nonsense. On other transcripts: non-coding transcript variant (2).
Genome position (GRCh38, 1-based): chr1:196,305,262, T duplicated on the plus strand (A on the coding strand, the reverse complement: KCNT2 is on the minus strand). VCF-style (leftmost placement, unchanged base first): chr1-196305261-G-GT. GRCh37 (hg19) VCF-style: chr1-196274391-G-GT.
Other names: c.2495dup, p.Tyr832Ter (NM_001287819.3); c.2345dup, p.Tyr782Ter (NM_001287820.3); short protein forms Y782*, Y832*, Y856*.
Identifiers: ClinVar variation 4856097 (VCV004856097.1).